The following is an entry in ClinVar:

ClinVar aggregate classification (germline): Uncertain significance (1 of 4 stars; one submission).

Conditions:
Hereditary cancer-predisposing syndrome. Also called: Neoplastic Syndromes, Hereditary; Tumor predisposition; Hereditary Cancer Syndrome; Hereditary neoplastic syndrome. Identifiers: Orphanet 140162, MedGen C0027672, MeSH D009386, MONDO:0015356.

Submission:

Ambry Genetics
Classification: Uncertain significance for Hereditary cancer-predisposing syndrome. Last evaluated: 2025-11-20. Review status: criteria provided, single submitter. Criteria: Ambry Variant Classification Scheme 2023. Collection method: clinical testing. Allele origin: germline.
Comment: The p.E619G variant (also known as c.1856A>G), located in coding exon 4 of the MSH6 gene, results from an A to G substitution at nucleotide position 1856. The glutamic acid at codon 619 is replaced by glycine, an amino acid with similar properties. This amino acid position is highly conserved in available vertebrate species. In addition, this alteration is predicted to be deleterious by in silico analysis. Since supporting evidence is limited at this time, the clinical significance of this alteration remains unclear.

NM_000179.3(MSH6):c.1856A>G (p.Glu619Gly)

Gene: MSH6 (mutS homolog 6; plus strand). Cytogenetic location: 2p16.3.
Variant type: single nucleotide variant.
Coding change: c.1856A>G on transcript NM_000179.3 (MANE Select); coding-DNA position 1856, A replaced by G.
Protein change: p.Glu619Gly; replaces glutamic acid 619 with glycine.
Molecular consequence: missense variant.
Genome position (GRCh38, 1-based): chr2:47,799,839, A>G. VCF-style: chr2-47799839-A-G. GRCh37 (hg19) VCF-style: chr2-48026978-A-G.
Other names: c.1466A>G, p.Glu489Gly (NM_001281492.2); c.950A>G, p.Glu317Gly (NM_001281493.2, NM_001281494.2, NM_001406811.1 and 6 more transcripts); c.1952A>G, p.Glu651Gly (NM_001406795.1, NM_001406802.1); c.1856A>G, p.Glu619Gly (NM_001406796.1, NM_001406798.1, NM_001406800.1 and 3 more transcripts); c.1559A>G, p.Glu520Gly (NM_001406797.1, NM_001406801.1, NM_001406805.1 and 10 more transcripts); c.1331A>G, p.Glu444Gly (NM_001406799.1, NM_001406806.1, NM_001406807.1); c.1778A>G, p.Glu593Gly (NM_001406804.1); c.1862A>G, p.Glu621Gly (NM_001406813.1); and 1 more; short protein forms E489G, E563G, E619G, E621G, E651G, E317G, E520G, E444G.
Identifiers: ClinVar variation 1781404 (VCV001781404.3), dbSNP rs2104371916, ClinGen allele CA346749772.